The following is an entry in ClinVar:

NM_000129.4(F13A1):c.88G>A (p.Val30Met)

Gene: F13A1 (coagulation factor XIII A chain; minus strand). Cytogenetic location: 6p25.1.
Variant type: single nucleotide variant.
Coding change: c.88G>A on transcript NM_000129.4 (MANE Select); coding-DNA position 88, G replaced by A.
Protein change: p.Val30Met; replaces valine 30 with methionine.
Molecular consequence: missense variant.
Genome position (GRCh38, 1-based): chr6:6,318,577, C>T on the plus strand (G>A on the coding strand, the complement: F13A1 is on the minus strand). VCF-style: chr6-6318577-C-T. GRCh37 (hg19) VCF-style: chr6-6318810-C-T.
Other names: short protein forms V30M.
Identifiers: ClinVar variation 659834 (VCV000659834.8), dbSNP rs1447842650, ClinGen allele CA362740574.
Genomic context (GRCh38, chr6:6,318,577, plus strand): 5'-AGGGGGGTATGCTCATACCTTGCAGGTTGACGCCCCGGGGCACCACGCCCTGAAGCTCCA[C>T]TGTGGGCAGGTCATCTTCCGCTGCATTAGAGTTATTGGGTGGAACTGCTCTTCTGCCTCC-3'
Protein context (NP_000120.2, residues 20-40): SNAAEDDLPT[Val30Met]ELQGVVPRGV

ClinVar aggregate classification (germline): Uncertain significance (1 of 4 stars; one submission).

Allele frequency attached by ClinVar (database versions not stated): gnomAD exomes below 0.00001; TOPMed below 0.00001; gnomAD 0.00001.
gnomAD v4.1: 3 of 1,613,622 alleles (0.00019%); highest among the groups gnomAD compares: African/African-American, 0.004%; no homozygotes.

Submission:

Labcorp Genetics (formerly Invitae), Labcorp
Classification: Uncertain significance. Last evaluated: 2023-07-03. Review status: criteria provided, single submitter. Criteria: Invitae Variant Classification Sherloc (09022015). Collection method: clinical testing. Allele origin: germline.
Comment: In summary, the available evidence is currently insufficient to determine the role of this variant in disease. Therefore, it has been classified as a Variant of Uncertain Significance. Advanced modeling of protein sequence and biophysical properties (such as structural, functional, and spatial information, amino acid conservation, physicochemical variation, residue mobility, and thermodynamic stability) performed at Invitae indicates that this missense variant is not expected to disrupt F13A1 protein function. ClinVar contains an entry for this variant (Variation ID: 659834). This variant has not been reported in the literature in individuals affected with F13A1-related conditions. This variant is present in population databases (no rsID available, gnomAD 0.02%). This sequence change replaces valine, which is neutral and non-polar, with methionine, which is neutral and non-polar, at codon 30 of the F13A1 protein (p.Val30Met).